The following is an entry in ClinVar:

ClinVar aggregate classification (germline): Uncertain significance (1 of 4 stars; one submission).

Submission:

GeneDx
Classification: Uncertain significance. Last evaluated: 2026-08-28. Review status: criteria provided, single submitter. Criteria: GeneDx Variant Classification Process June 2021. Collection method: clinical testing. Allele origin: germline.
Comment: Not observed at significant frequency in large population cohorts (gnomAD); In silico analysis supports that this missense variant has a deleterious effect on protein structure/function; Has not been previously published as pathogenic or benign to our knowledge

NM_001378328.1(CELSR1):c.1100A>G (p.Glu367Gly)

Gene: CELSR1 (cadherin EGF LAG seven-pass G-type receptor 1; minus strand). Cytogenetic location: 22q13.31.
Variant type: single nucleotide variant.
Coding change: c.1100A>G on transcript NM_001378328.1 (MANE Select); coding-DNA position 1100, A replaced by G.
Protein change: p.Glu367Gly; replaces glutamic acid 367 with glycine.
Molecular consequence: missense variant.
Genome position (GRCh38, 1-based): chr22:46,536,071, T>C on the plus strand (A>G on the coding strand, the complement: CELSR1 is on the minus strand). VCF-style: chr22-46536071-T-C. GRCh37 (hg19) VCF-style: chr22-46931968-T-C.
Other names: c.1100A>G, p.Glu367Gly (NM_014246.4); short protein forms E367G.
Identifiers: ClinVar variation 3369898 (VCV003369898.2).